The following is an entry in ClinVar:

NM_000548.5(TSC2):c.5025G>A (p.Pro1675=)

Genes: PKD1 (polycystin 1, transient receptor potential channel interacting; minus strand), TSC2 (TSC complex subunit 2; plus strand). Cytogenetic location: 16p13.3.
Variant type: single nucleotide variant.
Coding change: c.5025G>A on transcript NM_000548.5 (MANE Select); coding-DNA position 5025, G replaced by A.
Protein change: p.Pro1675=; no amino-acid change (proline 1675 retained).
Molecular consequence: synonymous variant.
Genome position (GRCh38, 1-based): chr16:2,087,898, G>A. VCF-style: chr16-2087898-G-A. GRCh37 (hg19) VCF-style: chr16-2137899-G-A.
Other names: p.P1675P:CCG>CCA; p.Pro1675=; c.5025G>A (NM_000548.4); c.4824G>A, p.Pro1608= (NM_001077183.3); c.4956G>A, p.Pro1652= (NM_001114382.3); c.4716G>A, p.Pro1572= (NM_001318827.2); c.4680G>A, p.Pro1560= (NM_001318829.2); c.4293G>A, p.Pro1431= (NM_001318831.2); and 4 more.
Identifiers: ClinVar variation 50002 (VCV000050002.61), dbSNP rs35118875, ClinGen allele CA021539.

ClinVar aggregate classification (germline): Benign/Likely benign. Review status: criteria provided, multiple submitters, no conflicts (2 of 4 stars). 19 submissions from 18 submitters: Benign (11); Likely benign (5). 3 of the submissions do not count toward it. Last evaluated 2026-09-01.

Conditions:
Hereditary cancer-predisposing syndrome. Also called: Neoplastic Syndromes, Hereditary; Tumor predisposition; Hereditary Cancer Syndrome; Hereditary neoplastic syndrome. Identifiers: Orphanet 140162, MedGen C0027672, MeSH D009386, MONDO:0015356.
Tuberous sclerosis syndrome (TSC). Also called: Tuberous Sclerosis Complex; Tuberous sclerosis. Identifiers: Orphanet 805, MedGen C0041341, MONDO:0001734.
Polycystic kidney disease, adult type (PKD1). Also called: Polycystic Kidney, Autosomal Dominant; POLYCYSTIC KIDNEY DISEASE 1 WITH OR WITHOUT POLYCYSTIC LIVER DISEASE; POLYCYSTIC KIDNEY DISEASE, ADULT, TYPE I; Polycystic Kidney Disease 1, Autosomal Dominant; Polycystic kidney disease 1; Polycystic kidney disease 1, severe. Identifiers: MedGen C3149841, MONDO:0008263, OMIM 173900.
Tuberous sclerosis 2 (TSC2). Identifiers: Orphanet 805, MedGen C1860707, MONDO:0013199, OMIM 613254.

Allele frequency attached by ClinVar (database versions not stated): 1000 Genomes Project 30x 0.00359; gnomAD 0.00415; gnomAD exomes 0.00107; ExAC 0.00145; 1000 Genomes Project 0.00419; TOPMed 0.00457; ESP Exome Variant Server 0.00531.

Submissions (19):

CeGaT Center for Human Genetics Tuebingen
Classification: Likely benign. Last evaluated: 2026-09-01. Review status: criteria provided, single submitter. Criteria: CeGaT Center For Human Genetics Tuebingen Variant Classification Criteria Version 2. Collection method: clinical testing. Allele origin: germline. Affected: yes. Observed: 11 variant alleles.
Comment: TSC2: BP4, BP7, BS1

Labcorp Genetics (formerly Invitae), Labcorp
Classification: Benign for Tuberous sclerosis 2. Last evaluated: 2026-02-04. Review status: criteria provided, single submitter. Criteria: Invitae Variant Classification Sherloc (09022015). Collection method: clinical testing. Allele origin: germline.

Mayo Clinic Laboratories, Mayo Clinic
Classification: Likely benign. Last evaluated: 2025-09-04. Review status: criteria provided, single submitter. Criteria: ACMG Guidelines, 2015. Collection method: clinical testing. Allele origin: germline. Observed: 3 variant alleles.
Comment: BS1, BP4, BP7

Myriad Genetics, Inc.
Classification: Benign for Tuberous sclerosis 2. Last evaluated: 2025-06-05. Review status: criteria provided, single submitter. Criteria: Myriad Autosomal Dominant, Autosomal Recessive and X-Linked Classification Criteria (2023). Collection method: clinical testing. Allele origin: unknown.
Comment: This variant is considered benign. This variant is a silent/synonymous amino acid change and it is not expected to impact splicing.

KCCC/NGS Laboratory, Kuwait Cancer Control Center
Classification: Benign for Polycystic kidney disease, adult type. Last evaluated: 2025-02-01. Review status: criteria provided, single submitter. Criteria: ACMG Guidelines, 2015. Collection method: clinical testing. Allele origin: germline. Affected: no.

ARUP Laboratories, Molecular Genetics and Genomics, ARUP Laboratories
Classification: Benign. Last evaluated: 2024-09-17. Review status: criteria provided, single submitter. Criteria: ARUP Molecular Germline Variant Investigation Process 2024. Collection method: clinical testing. Allele origin: germline.

Blueprint Genetics
Classification: Likely benign. Last evaluated: 2024-09-17. Review status: criteria provided, single submitter. Criteria: ACMG Guidelines, 2015. Collection method: clinical testing. Allele origin: germline.

KCCC/NGS Laboratory, Kuwait Cancer Control Center
Classification: Benign for Tuberous sclerosis 2. Last evaluated: 2023-07-07. Review status: criteria provided, single submitter. Criteria: ACMG Guidelines, 2015. Collection method: clinical testing. Allele origin: germline. Affected: yes.

Color Diagnostics, LLC DBA Color Health
Classification: Benign for Tuberous sclerosis syndrome. Last evaluated: 2022-10-20. Review status: criteria provided, single submitter. Criteria: ACMG Guidelines, 2015. Collection method: clinical testing. Allele origin: germline.

Quest Diagnostics Nichols Institute San Juan Capistrano
Classification: Benign. Last evaluated: 2022-03-11. Review status: criteria provided, single submitter. Criteria: Quest Diagnostics criteria. Collection method: clinical testing. Allele origin: unknown.

Genome-Nilou Lab
Classification: Benign for Tuberous sclerosis 2. Last evaluated: 2021-11-07. Review status: criteria provided, single submitter. Criteria: ACMG Guidelines, 2015. Collection method: clinical testing. Allele origin: germline. Affected: no.

Illumina Laboratory Services, Illumina
Classification: Likely benign for Tuberous sclerosis syndrome. Last evaluated: 2018-02-22. Review status: criteria provided, single submitter. Criteria: ICSL Variant Classification Criteria 13 December 2019. Collection method: clinical testing. Allele origin: germline.
Comment: This variant was observed as part of a predisposition screen in an ostensibly healthy population. A literature search was performed for the gene, cDNA change, and amino acid change (where applicable). No publications were found based on this search. Allele frequency data from public databases allowed determination this variant is unlikely to cause disease. Therefore, this variant is classified as likely benign.

Ambry Genetics
Classification: Benign for Hereditary cancer-predisposing syndrome. Last evaluated: 2015-03-07. Review status: criteria provided, single submitter. Criteria: Ambry Variant Classification Scheme 2023. Collection method: clinical testing. Allele origin: germline.

GeneDx
Classification: Benign. Last evaluated: 2013-04-08. Review status: criteria provided, single submitter. Criteria: GeneDx Variant Classification (06012015). Collection method: clinical testing. Allele origin: germline. Affected: yes.
Comment: This variant is considered likely benign or benign based on one or more of the following criteria: it is a conservative change, it occurs at a poorly conserved position in the protein, it is predicted to be benign by multiple in silico algorithms, and/or has population frequency not consistent with disease.

Breakthrough Genomics
Classification: Likely benign. Review status: criteria provided, single submitter. Criteria: ACMG Guidelines, 2015. Collection method: not provided. Allele origin: germline. Inheritance: Autosomal dominant inheritance. Affected: yes.

PreventionGenetics, part of Exact Sciences
Classification: Benign. Review status: criteria provided, single submitter. Criteria: ACMG Guidelines, 2015. Collection method: clinical testing. Allele origin: germline.

Clinical Genetics DNA and cytogenetics Diagnostics Lab, Erasmus MC, Erasmus Medical Center
Classification: Likely benign. Review status: no assertion criteria provided. Collection method: clinical testing. Allele origin: germline. Affected: yes. Study: VKGL Data-share Consensus. Not counted in ClinVar's aggregate classification.

Clinical Genetics, Academic Medical Center
Classification: Benign. Review status: no assertion criteria provided. Collection method: clinical testing. Allele origin: germline. Affected: yes. Study: VKGL Data-share Consensus. Not counted in ClinVar's aggregate classification.

Tuberous sclerosis database (TSC2)
No classification provided. Condition: TSC. Review status: no classification provided. Criteria: Tuberous Sclerosis Database Assertion Criteria 2015. Collection method: curation. Allele origin: germline. Affected: yes. Not counted in ClinVar's aggregate classification.